The following is an entry in ClinVar:

ClinVar aggregate classification (germline): Pathogenic (1 of 4 stars; one submission).

Conditions:
Autosomal recessive limb-girdle muscular dystrophy type 2O. Also called: Limb-Girdle Muscular Dystrophy Type 3C; MUSCULAR DYSTROPHY-DYSTROGLYCANOPATHY, LIMB-GIRDLE, POMGNT1-RELATED; MUSCULAR DYSTROPHY-DYSTROGLYCANOPATHY (LIMB-GIRDLE), TYPE C, 3. Identifiers: Orphanet 206564, MedGen C3150417, MONDO:0013161, OMIM 613157.
Muscular dystrophy-dystroglycanopathy (congenital with impaired intellectual development), type B, 3. Also called: Muscular dystrophy-dystroglycanopathy (congenital with intellectual disability), type B3; MUSCULAR DYSTROPHY, CONGENITAL, POMGNT1-RELATED. Identifiers: MedGen C3150412, MONDO:0013155, OMIM 613151.

Submission:

Labcorp Genetics (formerly Invitae), Labcorp
Classification: Pathogenic for Autosomal recessive limb-girdle muscular dystrophy type 2O; Muscular dystrophy-dystroglycanopathy (congenital with impaired intellectual development), type B, 3. Last evaluated: 2024-06-28. Review status: criteria provided, single submitter. Criteria: Invitae Variant Classification Sherloc (09022015). Collection method: clinical testing. Allele origin: germline.
Comment: This sequence change creates a premature translational stop signal (p.Asn310Thrfs*23) in the POMGNT1 gene. It is expected to result in an absent or disrupted protein product. Loss-of-function variants in POMGNT1 are known to be pathogenic (PMID: 19299310, 20816175, 21447391, 26908613, 27391550). This variant is not present in population databases (gnomAD no frequency). This variant has not been reported in the literature in individuals affected with POMGNT1-related conditions. ClinVar contains an entry for this variant (Variation ID: 631608). For these reasons, this variant has been classified as Pathogenic.

Literature cited by the submitters: PubMed 19299310; PubMed 20816175; PubMed 21447391; PubMed 26908613; PubMed 27391550.

NM_017739.4(POMGNT1):c.927del (p.Asn310fs)

Genes: TSPAN1 (tetraspanin 1; plus strand), POMGNT1 (protein O-linked mannose N-acetylglucosaminyltransferase 1 (beta 1,2-); minus strand). Cytogenetic location: 1p34.1.
Variant type: Deletion.
Coding change: c.927del on transcript NM_017739.4 (MANE Select); coding-DNA position 927, one base deleted (G; older notation c.927delG).
Protein change: p.Asn310fs; shifts the reading frame from asparagine 310.
Molecular consequence: frameshift variant.
Genome position (GRCh38, 1-based): chr1:46,193,878, C deleted on the plus strand (G on the coding strand, the reverse complement: POMGNT1 is on the minus strand); the first of 3 consecutive C bases (chr1:46,193,878-46,193,880); deleting any one gives the same sequence. VCF-style (leftmost placement, unchanged base first): chr1-46193877-TC-T. GRCh37 (hg19) VCF-style: chr1-46659549-TC-T.
Other names: c.927del, p.Asn310fs (NM_001243766.2, NM_001410783.1); c.859delG, p.Asn288Thrfs (NM_001290129.3); c.498del, p.Asn167fs (NM_001290130.2); short protein forms N167fs, N288fs, N310fs.
Identifiers: ClinVar variation 631608 (VCV000631608.6), dbSNP rs1557674267, ClinGen allele CA913189314.